The following is an entry in ClinVar:

NM_001164508.2(NEB):c.7762G>A (p.Glu2588Lys)

Gene: NEB (nebulin; minus strand). Cytogenetic location: 2q23.3.
Variant type: single nucleotide variant.
Coding change: c.7762G>A on transcript NM_001164508.2 (MANE Select); coding-DNA position 7762, G replaced by A.
Protein change: p.Glu2588Lys; replaces glutamic acid 2588 with lysine.
Molecular consequence: missense variant.
Genome position (GRCh38, 1-based): chr2:151,644,012, C>T on the plus strand (G>A on the coding strand, the complement: NEB is on the minus strand). VCF-style: chr2-151644012-C-T. GRCh37 (hg19) VCF-style: chr2-152500526-C-T.
Other names: c.7762G>A, p.Glu2588Lys (NM_001164507.2, NM_001271208.2, NM_004543.5); short protein forms E2588K.
Identifiers: ClinVar variation 1390808 (VCV001390808.3), dbSNP rs756738995, ClinGen allele CA1909761.

ClinVar aggregate classification (germline): Uncertain significance (1 of 4 stars; one submission).

Conditions:
Nemaline myopathy 2 (NEM2). Also called: Nemaline myopathy 2, autosomal recessive. Identifiers: MedGen C1850569, MONDO:0009725, OMIM 256030.

Allele frequency attached by ClinVar (database versions not stated): gnomAD exomes below 0.00001 and 0.00001; ExAC 0.00001; TOPMed 0.00001.
gnomAD v4.1: 20 of 1,613,970 alleles (0.0012%); highest among the groups gnomAD compares: Middle Eastern, 0.033%; no homozygotes.

Submission:

Labcorp Genetics (formerly Invitae), Labcorp
Classification: Uncertain significance for Nemaline myopathy 2. Last evaluated: 2022-06-27. Review status: criteria provided, single submitter. Criteria: Invitae Variant Classification Sherloc (09022015). Collection method: clinical testing. Allele origin: germline.
Comment: This sequence change replaces glutamic acid, which is acidic and polar, with lysine, which is basic and polar, at codon 2588 of the NEB protein (p.Glu2588Lys). This variant is present in population databases (rs756738995, gnomAD 0.0009%). This variant has not been reported in the literature in individuals affected with NEB-related conditions. Algorithms developed to predict the effect of missense changes on protein structure and function are either unavailable or do not agree on the potential impact of this missense change (SIFT: "Deleterious"; PolyPhen-2: "Not Available"; Align-GVGD: "Class C0"). In summary, the available evidence is currently insufficient to determine the role of this variant in disease. Therefore, it has been classified as a Variant of Uncertain Significance.